The following is an entry in ClinVar:

ClinVar aggregate classification (germline): Uncertain significance. Review status: criteria provided, multiple submitters, no conflicts (2 of 4 stars). 3 submissions from 3 submitters: Uncertain significance (3). Last evaluated 2025-10-01.

Conditions:
Hereditary cancer-predisposing syndrome. Also called: Neoplastic Syndromes, Hereditary; Tumor predisposition; Hereditary Cancer Syndrome; Hereditary neoplastic syndrome. Identifiers: Orphanet 140162, MedGen C0027672, MeSH D009386, MONDO:0015356.
Hereditary nonpolyposis colorectal neoplasms. Identifiers: MedGen C0009405, MeSH D003123.

Submissions (3):

Labcorp Genetics (formerly Invitae), Labcorp
Classification: Uncertain significance for Hereditary nonpolyposis colorectal neoplasms. Last evaluated: 2025-10-01. Review status: criteria provided, single submitter. Criteria: Invitae Variant Classification Sherloc (09022015). Collection method: clinical testing. Allele origin: germline.
Comment: This sequence change replaces lysine, which is basic and polar, with asparagine, which is neutral and polar, at codon 59 of the PMS2 protein (p.Lys59Asn). This variant is not present in population databases (gnomAD no frequency). This variant has not been reported in the literature in individuals affected with PMS2-related conditions. ClinVar contains an entry for this variant (Variation ID: 925017). Invitae Evidence Modeling incorporating data from in vitro experimental studies (internal data) indicates that this missense variant is not expected to disrupt PMS2 function with a negative predictive value of 95%. In summary, the available evidence is currently insufficient to determine the role of this variant in disease. Therefore, it has been classified as a Variant of Uncertain Significance.

Ambry Genetics
Classification: Uncertain significance for Hereditary cancer-predisposing syndrome. Last evaluated: 2024-05-29. Review status: criteria provided, single submitter. Criteria: Ambry Variant Classification Scheme 2023. Collection method: clinical testing. Allele origin: germline.
Comment: The p.K59N variant (also known as c.177G>C), located in coding exon 3 of the PMS2 gene, results from a G to C substitution at nucleotide position 177. The lysine at codon 59 is replaced by asparagine, an amino acid with similar properties. This amino acid position is conserved. In addition, the in silico prediction for this alteration is inconclusive. Based on the available evidence, the clinical significance of this variant remains unclear.

Color Diagnostics, LLC DBA Color Health
Classification: Uncertain significance for Hereditary cancer-predisposing syndrome. Last evaluated: 2023-12-04. Review status: criteria provided, single submitter. Criteria: ACMG Guidelines, 2015. Collection method: clinical testing. Allele origin: germline.
Comment: This missense variant replaces lysine with asparagine at codon 59 of the PMS2 protein. Computational prediction suggests that this variant may have deleterious impact on protein structure and function (internally defined REVEL score threshold >= 0.7, PMID: 27666373). To our knowledge, functional studies have not been reported for this variant. This variant has not been reported in individuals affected with PMS2-related disorders in the literature. This variant has not been identified in the general population by the Genome Aggregation Database (gnomAD). The available evidence is insufficient to determine the role of this variant in disease conclusively. Therefore, this variant is classified as a Variant of Uncertain Significance.

NM_000535.7(PMS2):c.177G>C (p.Lys59Asn)

Gene: PMS2 (PMS1 homolog 2, mismatch repair system component; minus strand). Cytogenetic location: 7p22.1.
Variant type: single nucleotide variant.
Coding change: c.177G>C on transcript NM_000535.7 (MANE Select); coding-DNA position 177, G replaced by C.
Protein change: p.Lys59Asn; replaces lysine 59 with asparagine.
Molecular consequence: missense variant. On other transcripts: 5 prime UTR variant (11), non-coding transcript variant (1).
Genome position (GRCh38, 1-based): chr7:6,004,045, C>G on the plus strand (G>C on the coding strand, the complement: PMS2 is on the minus strand). VCF-style: chr7-6004045-C-G. GRCh37 (hg19) VCF-style: chr7-6043676-C-G.
Other names: c.-229G>C (NM_001322003.2, NM_001322004.2, NM_001322005.2 and 3 more transcripts); c.177G>C, p.Lys59Asn (NM_001322006.2, NM_001322014.2); c.-39G>C (NM_001322007.2, NM_001322008.2); c.-708G>C (NM_001322011.2, NM_001322012.2); c.-308G>C (NM_001322015.2); c.177G>C (NM_000535.5); short protein forms K59N.
Identifiers: ClinVar variation 925017 (VCV000925017.8), dbSNP rs1785429079, ClinGen allele CA366744908.